The following is an entry in ClinVar:

ClinVar aggregate classification (germline): Uncertain significance (1 of 4 stars; one submission).

Submission:

CeGaT Center for Human Genetics Tuebingen
Classification: Uncertain significance. Last evaluated: 2022-12-01. Review status: criteria provided, single submitter. Criteria: CeGaT Center For Human Genetics Tuebingen Variant Classification Criteria Version 2. Collection method: clinical testing. Allele origin: germline. Affected: yes. Observed: 1 variant allele.
Comment: KATNAL2: PM2, PP3

NM_001387690.1(KATNAL2):c.118G>A (p.Glu40Lys)

Gene: KATNAL2 (katanin catalytic subunit A1 like 2; plus strand). Cytogenetic location: 18q21.1.
Variant type: single nucleotide variant.
Coding change: c.118G>A on transcript NM_001387690.1 (MANE Select); coding-DNA position 118, G replaced by A.
Protein change: p.Glu40Lys; replaces glutamic acid 40 with lysine.
Molecular consequence: missense variant. On other transcripts: non-coding transcript variant (1), intron variant (7), 5 prime UTR variant (1).
Genome position (GRCh38, 1-based): chr18:47,046,523, G>A. VCF-style: chr18-47046523-G-A. GRCh37 (hg19) VCF-style: chr18-44572894-G-A.
Other names: c.-1-11712G>A (NM_001353904.1, NM_001353903.1, NM_001353907.1 and 3 more transcripts); c.-94-6357G>A (NM_031303.3); c.196G>A, p.Glu66Lys (NM_001353899.1, NM_001353900.1, NM_001353902.1); c.118G>A, p.Glu40Lys (NM_001353901.1, NM_001367621.1); c.-228G>A (NM_001353905.1); short protein forms E40K, E66K.
Identifiers: ClinVar variation 2648708 (VCV002648708.24), dbSNP rs2511440558, ClinGen allele CA402406173.